The following is an entry in ClinVar:

NM_000426.4(LAMA2):c.7147del (p.Arg2383fs)

Gene: LAMA2 (laminin subunit alpha 2; plus strand). Cytogenetic location: 6q22.33.
Variant type: Deletion.
Coding change: c.7147del on transcript NM_000426.4 (MANE Select); coding-DNA position 7147, one base deleted (C; older notation c.7147delC).
Protein change: p.Arg2383fs; shifts the reading frame from arginine 2383.
Molecular consequence: frameshift variant.
Genome position (GRCh38, 1-based): chr6:129,464,444, C deleted. VCF-style (leftmost placement, unchanged base first): chr6-129464443-AC-A. GRCh37 (hg19) VCF-style: chr6-129785588-AC-A.
Other names: c.7147del, p.Arg2383fs (NM_001079823.2); short protein forms R2383fs.
Identifiers: ClinVar variation 2029584 (VCV002029584.6), dbSNP rs2533441727, ClinGen allele CA2580074986.

ClinVar aggregate classification (germline): Pathogenic/Likely pathogenic. Review status: criteria provided, multiple submitters, no conflicts (2 of 4 stars). 2 submissions from 2 submitters: Pathogenic (1); Likely pathogenic (1). Last evaluated 2022-09-09.

Conditions:
LAMA2-related muscular dystrophy (LAMA2-RD). Also called: Laminin alpha 2-related dystrophy. Identifiers: MedGen C5679788, MONDO:0100228.
Merosin deficient congenital muscular dystrophy (MDC1A). Also called: Congenital merosin-deficient muscular dystrophy 1A; Congenital Muscular Dystrophy Type 1A (MDC1A). Identifiers: Orphanet 258, MedGen C1263858, MONDO:0011925, OMIM 607855.
Muscular dystrophy, limb-girdle, autosomal recessive 23. Identifiers: Orphanet 565837, MedGen C4748327, MONDO:0029136, OMIM 618138.

Submissions (2):

Labcorp Genetics (formerly Invitae), Labcorp
Classification: Pathogenic for LAMA2-related muscular dystrophy. Last evaluated: 2022-09-09. Review status: criteria provided, single submitter. Criteria: Invitae Variant Classification Sherloc (09022015). Collection method: clinical testing. Allele origin: germline.
Comment: For these reasons, this variant has been classified as Pathogenic. This variant has not been reported in the literature in individuals affected with LAMA2-related conditions. This variant is not present in population databases (gnomAD no frequency). This sequence change creates a premature translational stop signal (p.Arg2383Glufs*3) in the LAMA2 gene. It is expected to result in an absent or disrupted protein product. Loss-of-function variants in LAMA2 are known to be pathogenic (PMID: 18700894, 32904964).

Juno Genomics, Hangzhou Juno Genomics, Inc
Classification: Likely pathogenic for Merosin deficient congenital muscular dystrophy; Muscular dystrophy, limb-girdle, autosomal recessive 23. Review status: criteria provided, single submitter. Criteria: ACMG Guidelines, 2015. Collection method: clinical testing. Allele origin: germline.
Comment: Null variant in a gene where loss of function (LOF) is a known mechanism of disease.;Absent from controls (or at extremely low frequency if recessive) in Genome Aggregation Database.

Literature cited by the submitters: PubMed 18700894 (cited by Labcorp Genetics (formerly Invitae), Labcorp); PubMed 32904964 (cited by Labcorp Genetics (formerly Invitae), Labcorp).